The following is an entry in ClinVar:

NM_206933.4(USH2A):c.956G>A (p.Cys319Tyr)

Gene: USH2A (usherin; minus strand). Cytogenetic location: 1q41.
Variant type: single nucleotide variant.
Coding change: c.956G>A on transcript NM_206933.4 (MANE Select); coding-DNA position 956, G replaced by A.
Protein change: p.Cys319Tyr; replaces cysteine 319 with tyrosine.
Molecular consequence: missense variant.
Genome position (GRCh38, 1-based): chr1:216,325,492, C>T on the plus strand (G>A on the coding strand, the complement: USH2A is on the minus strand). VCF-style: chr1-216325492-C-T. GRCh37 (hg19) VCF-style: chr1-216498834-C-T.
Other names: NM_206933.4(USH2A):c.956G>A; c.956G>A, p.Cys319Tyr (NM_007123.6); short protein forms C319Y.
Identifiers: ClinVar variation 2355 (VCV000002355.34), dbSNP rs121912599, ClinGen allele CA252231.
Genomic context (GRCh38, chr1:216,325,492, plus strand): 5'-GCTTCAGGATTCAACCGTGACACTCTATTATCAGCTGTGTCTCCTGCATCATTAGGAATG[C>T]AGTACCGCTGTGCCAAAGGGTGGACCCGCGGGTGGCTGCCAGGGCAACGGCAATGTGATT-3'
Protein context (NP_996816.3, residues 309-329): PRVHPLAQRY[Cys319Tyr]IPNDAGDTAD

ClinVar aggregate classification (germline): Pathogenic. Review status: reviewed by expert panel (3 of 4 stars). 13 submissions from 13 submitters: Pathogenic (1). 12 of the submissions do not count toward it. Last evaluated 2022-08-03.

Conditions:
Rare genetic deafness. Identifiers: Orphanet 96210, MedGen C5680250.
Usher syndrome. Also called: Usher's syndrome; Usher Syndromes. Identifiers: Orphanet 886, MedGen CN469326, MeSH D052245, MONDO:0019501. Disease mechanism: loss of function.
USH2A-related disorder. Also called: USH2A-related condition; USH2A-related disorders. Identifiers: MedGen CN239332.
Retinitis pigmentosa 39 (RP39). Identifiers: Orphanet 791, MedGen C3151138, MONDO:0013436, OMIM 613809.
Usher syndrome type 2A. Also called: RETINAL DISEASE IN USHER SYNDROME TYPE IIA, MODIFIER OF; USHER SYNDROME, TYPE IIA. Identifiers: Orphanet 231178, Orphanet 886, MedGen C1848634, MONDO:0010169, OMIM 276901.

Allele frequency attached by ClinVar (database versions not stated): gnomAD exomes 0.00003 and 0.00006; TOPMed 0.00003; ExAC 0.00008.
gnomAD v4.1: 16 of 1,613,866 alleles (0.00099%); highest among the groups gnomAD compares: Admixed American, 0.027%; no homozygotes.

Submissions 1 to 9 of 13:

ClinGen Hearing Loss Variant Curation Expert Panel
Classification: Pathogenic for Usher syndrome. Last evaluated: 2022-08-03. Review status: reviewed by expert panel. Criteria: Clingen Hl Acmg Specifications Cdh23 Coch Gjb2 Kcnq4 Myo6 Myo7a Slc26a4 Tecta Ush2a V2. Collection method: curation. Allele origin: germline. Inheritance: Autosomal recessive inheritance.
Comment: The c.956G>A variant in USH2A is a missense variant predicted to cause substitution of cysteine by tyrosine at amino acid 319. The highest population minor allele frequency in gnomAD v2.1.1 is 0.0002679 (15/34508 alleles) in the Latino/Admixed American population (PM2_Supporting, BS1, and BA1 are not met). The computational predictor REVEL gives a score of 0.524, which is neither above nor below the thresholds predicting a damaging or benign impact on USH2A function. At least one patient was homozygous for this variant and displayed moderate to severe sensorineural hearing loss and progressive retinitis pigmentosa, which is highly specific for Usher syndrome (PP4, PMID:10729113). This variant has been detected in 5 individuals with Usher syndrome. For 5 of those individuals, 4 were compound heterozygous for the variant and a pathogenic or likely pathogenic variant and all of those were confirmed in trans by family testing (c.3408T>A (p.Ser1136Arg), c.12067-2A>G, c.5329C>T (p.Arg1777Trp), c.15089C>A (p.S5030X)), (4 PM3 points, PMID: 26969326, 33089500, LMM internal data, EGL internal data). One individual was homozygous for the variant (0.5 PM3 points, PMID:10729113) (PM3_VeryStrong). One of the individuals who was compound heterozygous for the variant and another pathogenic variant in USH2A (RCV000599950.1), had an affected sibling in whom both variants segregated (PP1). In summary, this variant meets the criteria to be classified as pathogenic for autosomal recessive Usher syndrome based on the ACMG/AMP criteria applied, as specified by the ClinGen Hearing Loss VCEP: PP4, PM3_VS, PP1 (Hearing Loss VCEP specifications version 2; 6/15/2022).

PreventionGenetics, part of Exact Sciences
Classification: Pathogenic for USH2A-related condition. Last evaluated: 2026-06-17. Review status: criteria provided, single submitter. Criteria: ACMG Guidelines, 2015. Collection method: clinical testing. Allele origin: germline. Not counted in ClinVar's aggregate classification.
Comment: The USH2A c.956G>A variant is predicted to result in the amino acid substitution p.Cys319Tyr. This variant has been reported, in the apparent homozygous or compound heterozygous state with a second causative variant, in patients with Usher syndrome (Weston et al. 2000. PubMed ID: 10729113; supplementary data, Sloan-Heggen et al. 2016. PubMed ID: 26969326; supplementary data, Griffith et al. 2022. PubMed ID: 36011402). At PreventionGenetics, we have found this variant in either the homozygous state or along with a second causative variant in patients with inherited retinal disorders. In ClinVar, this variant is interpreted as pathogenic by the ClinGen Hearing Loss Variant Curation Expert Panel (Variation ID: 2355). This variant is interpreted as pathogenic.

Labcorp Genetics (formerly Invitae), Labcorp
Classification: Pathogenic. Last evaluated: 2026-01-11. Review status: criteria provided, single submitter. Criteria: Invitae Variant Classification Sherloc (09022015). Collection method: clinical testing. Allele origin: germline. Not counted in ClinVar's aggregate classification.
Comment: This sequence change replaces cysteine, which is neutral and slightly polar, with tyrosine, which is neutral and polar, at codon 319 of the USH2A protein (p.Cys319Tyr). This variant is present in population databases (rs121912599, gnomAD 0.04%). This missense change has been observed in individual(s) with clinical features of Usher syndrome and/or inherited retinal dystrophy (PMID: 10729113, 26969326; internal data). In at least one individual the data is consistent with being in trans (on the opposite chromosome) from a pathogenic variant. ClinVar contains an entry for this variant (Variation ID: 2355). Invitae Evidence Modeling of protein sequence and biophysical properties (such as structural, functional, and spatial information, amino acid conservation, physicochemical variation, residue mobility, and thermodynamic stability) indicates that this missense variant is expected to disrupt USH2A protein function with a positive predictive value of 95%. For these reasons, this variant has been classified as Pathogenic.

Natera, Inc.
Classification: Pathogenic for Usher syndrome type 2A. Last evaluated: 2025-09-16. Review status: criteria provided, single submitter. Criteria: Natera Variant Classification Schema (03/2026). Collection method: clinical testing. Allele origin: germline. Not counted in ClinVar's aggregate classification.
Comment: The c.956G>A variant in USH2A is a missense variant predicted to cause substitution of cysteine to tyrosine at amino acid 319. This variant is rare in the general population with a frequency below the threshold expected for the associated phenotype(s). This variant has been observed in one or more individuals affected with the associated recessive disease, as either homozygous or compound heterozygous with a second variant (PMID: 26969326, 33089500). Computational prediction algorithms indicate this variant is likely to affect gene or protein function. Given the available evidence, this variant is classified as Pathogenic.

3billion
Classification: Pathogenic for Retinitis pigmentosa 39. Last evaluated: 2025-09-04. Review status: criteria provided, single submitter. Criteria: ACMG Guidelines, 2015. Collection method: clinical testing. Allele origin: germline. Affected: yes. Not counted in ClinVar's aggregate classification.
Comment: The variant is observed at an extremely low frequency in the gnomAD v4.1.0 dataset (total allele frequency: 0.001%). Predicted Consequence/Location: Missense variant In silico tool predictions suggest damaging effect of the variant on gene or gene product [3Cnet: 0.98 (> 0.75, sensitivity 0.96 and precision 0.92)]. The same nucleotide change resulting in the same amino acid change has been previously reported as pathogenic/likely pathogenic with strong evidence (ClinVar ID: VCV000002355 /PMID: 10729113 /3billion dataset).The variant has been reported to be in trans with a pathogenic variant as either compound heterozygous or homozygous in at least 2 similarly affected unrelated individuals (PMID: 10729113, 26969326, 33089500).A different missense change at the same codon (p.Cys319Phe) has been reported to be associated with USH2A-related disorder (ClinVar ID: VCV002503086). Therefore, this variant is classified as Pathogenic according to the recommendation of ACMG/AMP guideline.

Fulgent Genetics
Classification: Likely pathogenic for Usher syndrome type 2A; Retinitis pigmentosa 39. Last evaluated: 2024-06-20. Review status: criteria provided, single submitter. Criteria: ACMG Guidelines, 2015. Collection method: clinical testing. Allele origin: germline. Not counted in ClinVar's aggregate classification.

Baylor Genetics
Classification: Likely pathogenic for Retinitis pigmentosa 39. Last evaluated: 2024-03-20. Review status: criteria provided, single submitter. Criteria: ACMG Guidelines, 2015. Collection method: clinical testing. Allele origin: unknown. Not counted in ClinVar's aggregate classification.

Blueprint Genetics
Classification: Pathogenic for USH2A-related disorders. Last evaluated: 2023-12-18. Review status: criteria provided, single submitter. Criteria: ACMG Guidelines, 2015. Collection method: clinical testing. Allele origin: germline. Affected: yes. Observed: 5 variant alleles. Not counted in ClinVar's aggregate classification.

Myriad Genetics, Inc.
Classification: Likely pathogenic for Usher syndrome type 2A. Last evaluated: 2021-11-08. Review status: criteria provided, single submitter. Criteria: Myriad Women's Health Autosomal Recessive and X-Linked Classification Criteria (2021). Collection method: clinical testing. Allele origin: unknown. Not counted in ClinVar's aggregate classification.
Comment: NM_206933.2(USH2A):c.956G>A(C319Y) is a missense variant classified as likely pathogenic in the context of USH2A-related disorders. C319Y has been observed in cases with relevant disease (PMID: 10729113, 26969326, 33089500). Functional assessments of this variant are not available in the literature. C319Y has been observed in population frequency databases (gnomAD: AMR 0.04%). In summary, NM_206933.2(USH2A):c.956G>A(C319Y) is a missense variant that has been observed more frequently in cases with the relevant disease than in healthy populations. Please note: this variant was assessed in the context of healthy population screening.